The following is an entry in ClinVar:

ClinVar aggregate classification (germline): Likely benign (0 of 4 stars; one submission).

Conditions:
SIM1-related disorder. Also called: SIM1-related disorders; SIM1-related condition.

Allele frequency attached by ClinVar (database versions not stated): gnomAD exomes below 0.00001; TOPMed below 0.00001.
gnomAD v4.1: 6 of 1,596,548 alleles (0.00038%); highest among the groups gnomAD compares: East Asian, 0.011%; no homozygotes.

Submission:

PreventionGenetics, part of Exact Sciences
Classification: Likely benign for SIM1-related condition. Last evaluated: 2021-09-29. Review status: no assertion criteria provided. Collection method: clinical testing. Allele origin: germline.
Comment: This variant is classified as likely benign based on ACMG/AMP sequence variant interpretation guidelines (Richards et al. 2015 PMID: 25741868, with internal and published modifications).

NM_005068.3(SIM1):c.-3A>G

Gene: SIM1 (SIM bHLH transcription factor 1; minus strand). Cytogenetic location: 6q16.3.
Variant type: single nucleotide variant.
Coding change: c.-3A>G on transcript NM_005068.3 (MANE Select); 3 bases upstream of the start codon, A replaced by G.
Molecular consequence: 5 prime UTR variant.
Genome position (GRCh38, 1-based): chr6:100,463,471, T>C on the plus strand (A>G on the coding strand, the complement: SIM1 is on the minus strand). VCF-style: chr6-100463471-T-C. GRCh37 (hg19) VCF-style: chr6-100911347-T-C.
Other names: c.-3A>G (NM_001374769.1).
Identifiers: ClinVar variation 3055105 (VCV003055105.2), dbSNP rs1352649071, ClinGen allele CA569541424.
Genomic context (GRCh38, chr6:100,463,471, plus strand): 5'-ATTCACTGTTTTCCTTCTCCCTCCTAGTCCGCGCAGCATTTTTGGACTTTTCTTTCATTG[T>C]GTCTTGTTCCCCCTTTCTTCTCACAACTTAAGCTCCGCAGATTCATCCAAAACCAAAAAT-3'